The following is an entry in ClinVar:

NM_001174147.2(LMX1B):c.929C>T (p.Thr310Met)

Gene: LMX1B (LIM homeobox transcription factor 1 beta; plus strand). Cytogenetic location: 9q33.3.
Variant type: single nucleotide variant.
Coding change: c.929C>T on transcript NM_001174147.2 (MANE Select); coding-DNA position 929, C replaced by T.
Protein change: p.Thr310Met; replaces threonine 310 with methionine.
Molecular consequence: missense variant.
Genome position (GRCh38, 1-based): chr9:126,695,881, C>T. VCF-style: chr9-126695881-C-T. GRCh37 (hg19) VCF-style: chr9-129458160-C-T.
Other names: c.929C>T (NM_002316.3); c.962C>T, p.Thr321Met (NM_001174146.2); c.929C>T, p.Thr310Met (NM_002316.4); short protein forms T310M, T321M.
Identifiers: ClinVar variation 3596449 (VCV003596449.4).

ClinVar aggregate classification (germline): Conflicting classifications of pathogenicity. Review status: criteria provided, conflicting classifications (1 of 4 stars). 3 submissions from 3 submitters: Uncertain significance (2); Likely benign (1). Last evaluated 2025-10-30.

Conditions:
Inborn genetic diseases. Identifiers: MedGen C0950123, MeSH D030342.
Nail-patella-like renal disease. Also called: Focal Segmental Glomerulosclerosis 10; GLOMERULAR BASEMENT MEMBRANE DISEASE, NAIL-PATELLA SYNDROME TYPE. Identifiers: Orphanet 2613, MedGen C0403548, MONDO:0009724, OMIM 256020.
Nail-patella syndrome (NPS). Also called: TURNER-KIESER SYNDROME; FONG DISEASE; ONYCHOOSTEODYSPLASIA. Identifiers: Orphanet 2614, MedGen C0027341, MONDO:0008061, OMIM 161200.

gnomAD v4.1: 75 of 1,613,262 alleles (0.0046%); highest among the groups gnomAD compares: Non-Finnish European, 0.0061%; no homozygotes.

Submissions (3):

Labcorp Genetics (formerly Invitae), Labcorp
Classification: Uncertain significance. Last evaluated: 2025-10-30. Review status: criteria provided, single submitter. Criteria: Invitae Variant Classification Sherloc (09022015). Collection method: clinical testing. Allele origin: germline.
Comment: This sequence change replaces threonine, which is neutral and polar, with methionine, which is neutral and non-polar, at codon 310 of the LMX1B protein (p.Thr310Met). This variant is present in population databases (rs369831428, gnomAD 0.006%). This variant has not been reported in the literature in individuals affected with LMX1B-related conditions. ClinVar contains an entry for this variant (Variation ID: 3596449). Invitae Evidence Modeling of protein sequence and biophysical properties (such as structural, functional, and spatial information, amino acid conservation, physicochemical variation, residue mobility, and thermodynamic stability) indicates that this missense variant is not expected to disrupt LMX1B protein function with a negative predictive value of 80%. In summary, the available evidence is currently insufficient to determine the role of this variant in disease. Therefore, it has been classified as a Variant of Uncertain Significance.

Ambry Genetics
Classification: Uncertain significance for Inborn genetic diseases. Last evaluated: 2025-05-16. Review status: criteria provided, single submitter. Criteria: Ambry Variant Classification Scheme 2023. Collection method: clinical testing. Allele origin: germline.

Fulgent Genetics
Classification: Likely benign for Nail-patella syndrome; Nail-patella-like renal disease. Last evaluated: 2024-04-06. Review status: criteria provided, single submitter. Criteria: ACMG Guidelines, 2015. Collection method: clinical testing. Allele origin: germline.